The following is an entry in ClinVar:

ClinVar aggregate classification (germline): Uncertain significance (1 of 4 stars; one submission).

Allele frequency attached by ClinVar (database versions not stated): gnomAD exomes below 0.00001.
gnomAD v4.1: 3 of 1,613,776 alleles (0.00019%); highest among the groups gnomAD compares: Admixed American, 0.0017%; no homozygotes.

Submission:

Labcorp Genetics (formerly Invitae), Labcorp
Classification: Uncertain significance. Last evaluated: 2022-01-15. Review status: criteria provided, single submitter. Criteria: Invitae Variant Classification Sherloc (09022015). Collection method: clinical testing. Allele origin: germline.
Comment: This variant has not been reported in the literature in individuals affected with C2CD3-related conditions. This variant is present in population databases (no rsID available, gnomAD 0.003%). This sequence change replaces tyrosine, which is neutral and polar, with cysteine, which is neutral and slightly polar, at codon 1802 of the C2CD3 protein (p.Tyr1802Cys). In summary, the available evidence is currently insufficient to determine the role of this variant in disease. Therefore, it has been classified as a Variant of Uncertain Significance. Algorithms developed to predict the effect of missense changes on protein structure and function output the following: SIFT: "Tolerated"; PolyPhen-2: "Benign"; Align-GVGD: "Class C0". The cysteine amino acid residue is found in multiple mammalian species, which suggests that this missense change does not adversely affect protein function.

NM_001286577.2(C2CD3):c.5405A>G (p.Tyr1802Cys)

Gene: C2CD3 (C2 domain containing 3 centriole elongation regulator; minus strand). Cytogenetic location: 11q13.4.
Variant type: single nucleotide variant.
Coding change: c.5405A>G on transcript NM_001286577.2 (MANE Select); coding-DNA position 5405, A replaced by G.
Protein change: p.Tyr1802Cys; replaces tyrosine 1802 with cysteine.
Molecular consequence: missense variant.
Genome position (GRCh38, 1-based): chr11:74,048,295, T>C on the plus strand (A>G on the coding strand, the complement: C2CD3 is on the minus strand). VCF-style: chr11-74048295-T-C. GRCh37 (hg19) VCF-style: chr11-73759340-T-C.
Other names: c.5405A>G, p.Tyr1802Cys (NM_015531.6); short protein forms Y1802C.
Identifiers: ClinVar variation 1381945 (VCV001381945.6), dbSNP rs1285522367, ClinGen allele CA381826975.